The following is an entry in ClinVar:

ClinVar aggregate classification (germline): Uncertain significance (1 of 4 stars; one submission).

Conditions:
Emery-Dreifuss muscular dystrophy 5, autosomal dominant (EDMD5). Also called: EMERY-DREIFUSS MUSCULAR DYSTROPHY 5. Identifiers: Orphanet 261, MedGen C2751805, MONDO:0013072, OMIM 612999.

Submission:

Labcorp Genetics (formerly Invitae), Labcorp
Classification: Uncertain significance for Emery-Dreifuss muscular dystrophy 5, autosomal dominant. Last evaluated: 2022-05-03. Review status: criteria provided, single submitter. Criteria: Invitae Variant Classification Sherloc (09022015). Collection method: clinical testing. Allele origin: germline.
Comment: In summary, the available evidence is currently insufficient to determine the role of this variant in disease. Therefore, it has been classified as a Variant of Uncertain Significance. Algorithms developed to predict the effect of missense changes on protein structure and function output the following: SIFT: "Tolerated"; PolyPhen-2: "Benign"; Align-GVGD: "Class C0". The serine amino acid residue is found in multiple mammalian species, which suggests that this missense change does not adversely affect protein function. This variant has not been reported in the literature in individuals affected with SYNE2-related conditions. This variant is not present in population databases (gnomAD no frequency). This sequence change replaces leucine, which is neutral and non-polar, with serine, which is neutral and polar, at codon 189 of the SYNE2 protein (p.Leu189Ser).

NM_182914.3(SYNE2):c.566T>C (p.Leu189Ser)

Gene: SYNE2 (spectrin repeat containing nuclear envelope protein 2; plus strand). Cytogenetic location: 14q23.2.
Variant type: single nucleotide variant.
Coding change: c.566T>C on transcript NM_182914.3 (MANE Select); coding-DNA position 566, T replaced by C.
Protein change: p.Leu189Ser; replaces leucine 189 with serine.
Molecular consequence: missense variant.
Genome position (GRCh38, 1-based): chr14:63,949,982, T>C. VCF-style: chr14-63949982-T-C. GRCh37 (hg19) VCF-style: chr14-64416700-T-C.
Other names: c.566T>C, p.Leu189Ser (NM_015180.6); short protein forms L189S.
Identifiers: ClinVar variation 2202123 (VCV002202123.4), dbSNP rs2153430646, ClinGen allele CA389939446.